The following is an entry in ClinVar:

ClinVar aggregate classification (germline): Uncertain significance (1 of 4 stars; one submission).

Conditions:
Hypertrophic cardiomyopathy 26. Also called: Cardiomyopathy, familial hypertrophic, 26. Identifiers: Orphanet 75249, MedGen C4310749, MONDO:0014883, OMIM 617047.
Myofibrillar myopathy 5. Also called: Filaminopathy (type); FILAMINOPATHY, AUTOSOMAL DOMINANT. Identifiers: Orphanet 171445, MedGen C1836050, MONDO:0012289, OMIM 609524.
Distal myopathy with posterior leg and anterior hand involvement. Also called: WILLIAMS DISTAL MYOPATHY. Identifiers: Orphanet 63273, MedGen C3279722, MONDO:0013550, OMIM 614065.

gnomAD v4.1: 2 of 1,613,902 alleles (0.00012%); highest among the groups gnomAD compares: Non-Finnish European, 0.00017%; no homozygotes.

Submission:

Labcorp Genetics (formerly Invitae), Labcorp
Classification: Uncertain significance for Distal myopathy with posterior leg and anterior hand involvement; Myofibrillar myopathy 5; Hypertrophic cardiomyopathy 26. Last evaluated: 2026-01-20. Review status: criteria provided, single submitter. Criteria: Invitae Variant Classification Sherloc (09022015). Collection method: clinical testing. Allele origin: germline.
Comment: This sequence change replaces serine, which is neutral and polar, with cysteine, which is neutral and slightly polar, at codon 2403 of the FLNC protein (p.Ser2403Cys). This variant is present in population databases (rs762819474, gnomAD 0.003%). This variant has not been reported in the literature in individuals affected with FLNC-related conditions. An algorithm developed to predict the effect of missense changes on protein structure and function (PolyPhen-2) suggests that this variant is likely to be disruptive. In summary, the available evidence is currently insufficient to determine the role of this variant in disease. Therefore, it has been classified as a Variant of Uncertain Significance.

NM_001458.5(FLNC):c.7208C>G (p.Ser2403Cys)

Genes: FLNC (filamin C; plus strand), FLNC-AS1 (FLNC antisense RNA 1; minus strand). Cytogenetic location: 7q32.1.
Variant type: single nucleotide variant.
Coding change: c.7208C>G on transcript NM_001458.5 (MANE Select); coding-DNA position 7208, C replaced by G.
Protein change: p.Ser2403Cys; replaces serine 2403 with cysteine.
Molecular consequence: missense variant.
Genome position (GRCh38, 1-based): chr7:128,855,271, C>G. VCF-style: chr7-128855271-C-G. GRCh37 (hg19) VCF-style: chr7-128495325-C-G.
Other names: c.7109C>G, p.Ser2370Cys (NM_001127487.2); short protein forms S2370C, S2403C.
Identifiers: ClinVar variation 4812642 (VCV004812642.1).
Genomic context (GRCh38, chr7:128,855,271, plus strand): 5'-TCTCCATCAAGTTCAATGATGAGCACATCCCAGACAGCCCCTTTGTGGTGCCTGTGGCCT[C>G]CCTCTCGGATGACGCTCGCCGTCTCACTGTCACCAGCCTCCAGGTTTGTGCCCAGGGTGG-3'
Protein context (NP_001449.3, residues 2393-2413): PDSPFVVPVA[Ser2403Cys]LSDDARRLTV